The following is an entry in ClinVar:

NM_007294.4(BRCA1):c.2433C>T (p.Pro811=)

Gene: BRCA1 (BRCA1 DNA repair associated; minus strand). Cytogenetic location: 17q21.31.
Variant type: single nucleotide variant.
Coding change: c.2433C>T on transcript NM_007294.4 (MANE Select); coding-DNA position 2433, C replaced by T.
Protein change: p.Pro811=; no amino-acid change (proline 811 retained).
Molecular consequence: synonymous variant. On other transcripts: intron variant (137).
Genome position (GRCh38, 1-based): chr17:43,093,098, G>A on the plus strand (C>T on the coding strand, the complement: BRCA1 is on the minus strand). VCF-style: chr17-43093098-G-A. GRCh37 (hg19) VCF-style: chr17-41245115-G-A.
Other names: c.664+1646C>T (NM_001408443.1, NM_001408439.1, NM_001408425.1 and 12 more transcripts); c.671-2066C>T (NM_001408419.1, NM_001408422.1, NM_001408418.1 and 2 more transcripts); c.787+1646C>T (NM_001408403.1, NM_001407983.1, NM_001407975.1 and 17 more transcripts); c.790+1643C>T (NM_001408406.1); c.646+1646C>T (NM_001408456.1, NM_001408410.1, NM_001408459.1 and 11 more transcripts); c.643+1646C>T (NM_001408465.1, NM_001408463.1, NM_001408462.1 and 3 more transcripts); c.577+1646C>T (NM_001408482.1, NM_001408484.1, NM_001408478.1 and 9 more transcripts); c.520+1646C>T (NM_001408504.1, NM_001408503.1, NM_001408505.1); and 41 more.
Identifiers: ClinVar variation 433701 (VCV000433701.4), dbSNP rs1555589666, ClinGen allele CA500232952.

ClinVar aggregate classification (germline): Likely benign. Review status: criteria provided, single submitter (1 of 4 stars). 2 submissions from 2 submitters: Likely benign (1). 1 of the submissions does not count toward it. Last evaluated 2026-07-01.

Conditions:
Hereditary cancer-predisposing syndrome. Also called: Neoplastic Syndromes, Hereditary; Hereditary neoplastic syndrome; Hereditary Cancer Syndrome; Tumor predisposition. Identifiers: Orphanet 140162, MedGen C0027672, MeSH D009386, MONDO:0015356.
Malignant tumor of breast. Also called: Malignant breast neoplasm; Cancer breast. Identifiers: MedGen C0006142, MONDO:0007254. Disease mechanism: loss of function.

Submissions (2):

Ambry Genetics
Classification: Likely benign for Hereditary cancer-predisposing syndrome. Last evaluated: 2026-07-01. Review status: criteria provided, single submitter. Criteria: Ambry Variant Classification Scheme 2023. Collection method: clinical testing. Allele origin: germline.

Department of Pathology and Laboratory Medicine, Sinai Health System
Classification: Likely benign for Malignant tumor of breast. Review status: no assertion criteria provided. Collection method: clinical testing. Allele origin: unknown. Affected: yes. Study: The Canadian Open Genetics Repository (COGR). Not counted in ClinVar's aggregate classification.
Comment: The p.Pro811Pro variant was not identified in the literature, nor was it identified in the dbSNP, NHLBI Exome Sequencing Project (Exome Variant Server), Exome Aggregation Consortium (ExAC), HGMD, LOVD, COSMIC, ClinVar, GeneInsight COGR, BIC or UMD. The p.Pro811Pro variant is not expected to have clinical significance because it does not result in a change of amino acid and is not located in a known consensus splice site. In addition, in silico or computational prediction software programs (SpliceSiteFinder, MaxEntScan, NNSPLICE, GeneSplicer, HumanSpliceFinder) do not predict a difference in splicing. In summary, based on the above information, the clinical significance of this variant cannot be determined with certainty at this time although we would lean towards a more benign role for this variant. This variant is classified as predicted benign.